The following is an entry in ClinVar:

ClinVar aggregate classification (germline): Likely benign (0 of 4 stars; one submission).

Conditions:
PLXNA1-related disorder. Also called: PLXNA1-related condition.

gnomAD v4.1: 4 of 1,613,444 alleles (0.00025%); highest among the groups gnomAD compares: East Asian, 0.0022%; no homozygotes.

Submission:

PreventionGenetics, part of Exact Sciences
Classification: Likely benign for PLXNA1-related condition. Last evaluated: 2024-07-05. Review status: no assertion criteria provided. Collection method: clinical testing. Allele origin: germline.
Comment: This variant is classified as likely benign based on ACMG/AMP sequence variant interpretation guidelines (Richards et al. 2015 PMID: 25741868, with internal and published modifications).

NM_032242.4(PLXNA1):c.4197C>T (p.Gly1399=)

Gene: PLXNA1 (plexin A1; plus strand). Cytogenetic location: 3q21.3.
Variant type: single nucleotide variant.
Coding change: c.4197C>T on transcript NM_032242.4 (MANE Select); coding-DNA position 4197, C replaced by T.
Protein change: p.Gly1399=; no amino-acid change (glycine 1399 retained).
Molecular consequence: synonymous variant.
Genome position (GRCh38, 1-based): chr3:127,022,243, C>T. VCF-style: chr3-127022243-C-T. GRCh37 (hg19) VCF-style: chr3-126741086-C-T.
Identifiers: ClinVar variation 3347498 (VCV003347498.1).